The following is an entry in ClinVar:

NM_031220.4(PITPNM3):c.1609G>A (p.Val537Met)

Gene: PITPNM3 (PITPNM family member 3; minus strand). Cytogenetic location: 17p13.2.
Variant type: single nucleotide variant.
Coding change: c.1609G>A on transcript NM_031220.4 (MANE Select); coding-DNA position 1609, G replaced by A.
Protein change: p.Val537Met; replaces valine 537 with methionine.
Molecular consequence: missense variant.
Genome position (GRCh38, 1-based): chr17:6,471,176, C>T on the plus strand (G>A on the coding strand, the complement: PITPNM3 is on the minus strand). VCF-style: chr17-6471176-C-T. GRCh37 (hg19) VCF-style: chr17-6374496-C-T.
Other names: c.1501G>A, p.Val501Met (NM_001165966.2); short protein forms V501M, V537M.
Identifiers: ClinVar variation 891164 (VCV000891164.10), dbSNP rs754442529, ClinGen allele CA8329462.
Genomic context (GRCh38, chr17:6,471,176, plus strand): 5'-CCCCTCCCCCGAATCCAGGCAGGGCCCCAAAAGGACCTCACTCACTGCGGGAGGCACCCA[C>T]GGGTGCCATGCTGTCCGAGGACTCCGAGCTCTCGCTGTGGGAGCTCCCCTCGCTCATCCT-3'
Protein context (NP_112497.2, residues 527-547): SSESSDSMAP[Val537Met]GASRITAKWW

ClinVar aggregate classification (germline): Conflicting classifications of pathogenicity. Review status: criteria provided, conflicting classifications (1 of 4 stars). 3 submissions from 3 submitters: Uncertain significance (2); Likely benign (1). Last evaluated 2026-01-27.

Conditions:
Cone-rod dystrophy 5 (CORD5). Identifiers: Orphanet 1872, MedGen C1832976, MONDO:0010969, OMIM 600977.

Allele frequency attached by ClinVar (database versions not stated): gnomAD exomes 0.00002; ExAC 0.00003; gnomAD 0.00003 and 0.00004; TOPMed 0.00006.
gnomAD v4.1: 31 of 1,612,456 alleles (0.0019%); highest among the groups gnomAD compares: African/African-American, 0.012%; no homozygotes.

Submissions (3):

Labcorp Genetics (formerly Invitae), Labcorp
Classification: Uncertain significance. Last evaluated: 2026-01-27. Review status: criteria provided, single submitter. Criteria: Invitae Variant Classification Sherloc (09022015). Collection method: clinical testing. Allele origin: germline.
Comment: This sequence change replaces valine, which is neutral and non-polar, with methionine, which is neutral and non-polar, at codon 537 of the PITPNM3 protein (p.Val537Met). This variant is present in population databases (rs754442529, gnomAD 0.01%). This variant has not been reported in the literature in individuals affected with PITPNM3-related conditions. ClinVar contains an entry for this variant (Variation ID: 891164). An algorithm developed to predict the effect of missense changes on protein structure and function outputs the following: PolyPhen-2: "Benign". The methionine amino acid residue is found in multiple mammalian species, which suggests that this missense change does not adversely affect protein function. In summary, the available evidence is currently insufficient to determine the role of this variant in disease. Therefore, it has been classified as a Variant of Uncertain Significance.

Blueprint Genetics
Classification: Likely benign. Last evaluated: 2023-02-17. Review status: criteria provided, single submitter. Criteria: ACMG Guidelines, 2015. Collection method: clinical testing. Allele origin: germline.

Illumina Laboratory Services, Illumina
Classification: Uncertain significance for Cone-rod dystrophy 5. Last evaluated: 2018-01-13. Review status: criteria provided, single submitter. Criteria: ICSL Variant Classification Criteria 13 December 2019. Collection method: clinical testing. Allele origin: germline.